The following is an entry in ClinVar:

NM_000535.7(PMS2):c.825A>G (p.Gln275=)

Gene: PMS2 (PMS1 homolog 2, mismatch repair system component; minus strand). Cytogenetic location: 7p22.1.
Variant type: single nucleotide variant.
Coding change: c.825A>G on transcript NM_000535.7 (MANE Select); coding-DNA position 825, A replaced by G.
Protein change: p.Gln275=; no amino-acid change (glutamine 275 retained).
Molecular consequence: synonymous variant. On other transcripts: 5 prime UTR variant (2), non-coding transcript variant (1).
Genome position (GRCh38, 1-based): chr7:5,995,612, T>C on the plus strand (A>G on the coding strand, the complement: PMS2 is on the minus strand). VCF-style: chr7-5995612-T-C. GRCh37 (hg19) VCF-style: chr7-6035243-T-C.
Other names: c.420A>G, p.Gln140= (NM_001322003.2, NM_001322004.2, NM_001322005.2 and 2 more transcripts); c.825A>G, p.Gln275= (NM_001322006.2, NM_001322014.2); c.507A>G, p.Gln169= (NM_001322007.2, NM_001322008.2); c.-109A>G (NM_001322011.2, NM_001322012.2); c.252A>G, p.Gln84= (NM_001322013.2); c.516A>G, p.Gln172= (NM_001322015.2).
Identifiers: ClinVar variation 232390 (VCV000232390.50), dbSNP rs876659736, ClinGen allele CA10578696.

ClinVar aggregate classification (germline): Pathogenic/Likely pathogenic. Review status: criteria provided, multiple submitters, no conflicts (2 of 4 stars). 15 submissions from 15 submitters: Pathogenic (9); Likely pathogenic (4). 2 of the submissions do not count toward it. Last evaluated 2026-06-02.

Conditions:
Hereditary nonpolyposis colorectal neoplasms. Identifiers: MedGen C0009405, MeSH D003123.
Hereditary nonpolyposis colon cancer (HNPCC). Also called: Hereditary Nonpolyposis Colorectal Cancer Syndrome; Hereditary nonpolyposis colorectal cancer; Familial nonpolyposis colon cancer. Identifiers: Orphanet 443909, MedGen C1333990, MONDO:0018630. Disease mechanism: loss of function.
Gastric cancer. Also called: Malignant tumor of stomach; Stomach cancer. Identifiers: MedGen C0024623, MeSH D013274, MONDO:0001056, OMIM 613659, HP:0012126.
Hereditary cancer-predisposing syndrome. Also called: Hereditary neoplastic syndrome; Hereditary Cancer Syndrome; Neoplastic Syndromes, Hereditary; Tumor predisposition. Identifiers: Orphanet 140162, MedGen C0027672, MeSH D009386, MONDO:0015356.
Lynch syndrome 4 (LYNCH4). Also called: Hereditary non-polyposis colorectal cancer, type 4; Colorectal cancer, hereditary nonpolyposis, type 4. Identifiers: Orphanet 144, MedGen C1838333, MONDO:0013699, OMIM 614337. Disease mechanism: loss of function.
Mismatch repair cancer syndrome 1 (MMRCS1). Also called: BRAIN TUMOR-POLYPOSIS SYNDROME 1; BTP1 SYNDROME; CHILDHOOD CANCER SYNDROME; MISMATCH REPAIR DEFICIENCY; MMR DEFICIENCY. Identifiers: Orphanet 252202, MedGen C5399763, MONDO:0010159, OMIM 276300. Disease mechanism: loss of function.
Lynch syndrome. Identifiers: Orphanet 144, MedGen C4552100, MONDO:0005835. Disease mechanism: loss of function.

Allele frequency attached by ClinVar (database versions not stated): gnomAD exomes 0.00001; TOPMed 0.00002.
gnomAD v4.1: 3 of 1,613,138 alleles (0.00019%); highest among the groups gnomAD compares: East Asian, 0.0045%; no homozygotes.

Submissions 1 to 9 of 16:

Institute of Human Genetics, University of Leipzig Medical Center
Classification: Pathogenic for Lynch syndrome 4. Last evaluated: 2026-06-02. Review status: criteria provided, single submitter. Criteria: ACMG Guidelines, 2015. Collection method: clinical testing. Allele origin: unknown. Inheritance: Autosomal dominant inheritance. Affected: yes.
Comment: Criteria applied: PVS1,PM3_STR,PM2_SUP

Labcorp Genetics (formerly Invitae), Labcorp
Classification: Pathogenic for Hereditary nonpolyposis colorectal neoplasms. Last evaluated: 2026-01-12. Review status: criteria provided, single submitter. Criteria: Invitae Variant Classification Sherloc (09022015). Collection method: clinical testing. Allele origin: germline.
Comment: This sequence change affects codon 275 of the PMS2 mRNA. It is a 'silent' change, meaning that it does not change the encoded amino acid sequence of the PMS2 protein. RNA analysis indicates that this variant induces altered splicing and may result in an absent or altered protein product. This variant is present in population databases (no rsID available, gnomAD 0.007%). This variant has been observed in individual(s) with Lynch syndrome and symptoms consistent with constitutional mismatch repair deficiency (CMMR-D) (PMID: 21261604, 25856668, 26110232, 28514183). In at least one individual the data is consistent with being in trans (on the opposite chromosome) from a pathogenic variant. ClinVar contains an entry for this variant (Variation ID: 232390). Studies have shown that this variant alters mRNA splicing and is expected to lead to the loss of protein expression (PMID: 26247049; internal data). For these reasons, this variant has been classified as Pathogenic.

Color Diagnostics, LLC DBA Color Health
Classification: Pathogenic for Hereditary cancer-predisposing syndrome. Last evaluated: 2025-07-25. Review status: criteria provided, single submitter. Criteria: ACMG Guidelines, 2015. Collection method: clinical testing. Allele origin: germline.
Comment: This synonymous variant causes a A>G nucleotide change in exon 8 of the PMS2 gene. Splice site prediction tools indicate that this variant creates a de novo splice acceptor site 22 nucleotides downstream of the native intron 7/exon 8 splice acceptor site. RNA studies in patient cells (PMID: 21261604) and by minigene analysis (PMID: 26247049) have shown that this variant results in use of the de novo acceptor site in exon 8, resulting in a 22 nucleotide deletion in the mRNA, causing a frameshift and protein truncation. Absence of PMS2 in patient cells by immunohistochemistry has been observed. (PMID: 21261604). This variant has been reported in individuals with phenotypes consistent with constitutional mismatch repair deficiency (CMMRDPMID: 21261604). This variant has been identified in 2/251422 chromosomes in the general population by the Genome Aggregation Database (gnomAD). Loss of PMS2 function is a known mechanism of disease. Based on the available evidence, this variant is classified as Pathogenic.

GeneDx
Classification: Pathogenic. Last evaluated: 2025-06-09. Review status: criteria provided, single submitter. Criteria: GeneDx Variant Classification Process June 2021. Collection method: clinical testing. Allele origin: germline. Affected: yes.
Comment: Published functional studies demonstrate use of cryptic downstream splice acceptor site resulting in loss of 22 bases and undergoing protein truncation or nonsense mediated decay in a gene for which loss of function is a known mechanism of disease (PMID: 21261604, 26247049); This variant is associated with the following publications: (PMID: 30256826, 27435373, 25856668, 28514183, 30787465, 26110232, 30589920, 35477782, 34172528, 36988593, 35532657, 21261604, 26247049, 38201513)

Ambry Genetics
Classification: Pathogenic for Hereditary cancer-predisposing syndrome. Last evaluated: 2025-06-03. Review status: criteria provided, single submitter. Criteria: Ambry Variant Classification Scheme 2023. Collection method: clinical testing. Allele origin: germline.
Comment: The c.825A>G pathogenic mutation (also known as p.Q275Q), located in coding exon 8, results from an A to G substitution at nucleotide position 825 of the PMS2 gene. This nucleotide substitution does not change the amino acid at codon 275. RNA analysis of this variant showed abnormal splicing leading to premature protein truncation, and absence of PMS2 by immunohistochemistry was noted in the adenoma, brain tumor, and normal tissues from the proband and the affected sister (Johannesma PC et al. Clin. Genet. 2011 Sep;80:243-55). Additionally, a minigene assay of this variant showed out of frame skipping of the first 22 nucleotides of exon 8, and no full length transcript was produced from the variant allele (van der Klift HM et al. Mol Genet Genomic Med 2015 Jul;3:327-45). In silico splice site analysis predicts that this alteration will result in the creation or strengthening of a novel splice acceptor site. RNA studies have demonstrated that this alteration results in abnormal splicing in the set of samples tested (Ambry internal data). Based on the supporting evidence, this alteration is interpreted as a disease-causing mutation.

Revvity Omics, Revvity
Classification: Pathogenic. Last evaluated: 2024-12-18. Review status: criteria provided, single submitter. Criteria: ACMG Guidelines, 2015. Collection method: clinical testing. Allele origin: germline.

Baylor Genetics
Classification: Pathogenic for Lynch syndrome 4. Last evaluated: 2024-03-05. Review status: criteria provided, single submitter. Criteria: ACMG Guidelines, 2015. Collection method: clinical testing. Allele origin: unknown.

Women's Health and Genetics/Laboratory Corporation of America, LabCorp
Classification: Pathogenic for Hereditary nonpolyposis colon cancer. Last evaluated: 2024-03-04. Review status: criteria provided, single submitter. Criteria: LabCorp Variant Classification Summary - May 2015. Collection method: clinical testing. Allele origin: germline.
Comment: Variant summary: PMS2 c.825A>G alters a non-conserved nucleotide resulting in a synonymous change. Computational tools predict a significant impact on normal splicing: Three predict the variant creates a cryptic 3' acceptor site. Publications report experimental evidence that this variant affects mRNA splicing, resulting in a deletion of 22 nt (Johannesma_2011, van der Klift_2015). The variant allele was found at a frequency of 8e-06 in 251422 control chromosomes (gnomAD). c.825A>G has been reported in the literature in the compound heterozygous state with other pathogenic variants in individuals affected with features of constitutional mismatch repair deficiency (e.g. Johannesma_2011, Mishra_2022). These data indicate that the variant is likely to be associated with disease. The following publications have been ascertained in the context of this evaluation (PMID: 21261604, 26247049, 35532657). ClinVar contains an entry for this variant (Variation ID: 232390). Based on the evidence outlined above, the variant was classified as pathogenic.

Myriad Genetics, Inc.
Classification: Likely pathogenic for Lynch syndrome 4. Last evaluated: 2023-09-19. Review status: criteria provided, single submitter. Criteria: Myriad Autosomal Dominant, Autosomal Recessive and X-Linked Classification Criteria (2023). Collection method: clinical testing. Allele origin: unknown.
Comment: This variant is considered likely pathogenic. mRNA analysis has demonstrated abnormal mRNA splicing occurs [Myriad internal data].